The following is an entry in ClinVar:

ClinVar aggregate classification (germline): Conflicting classifications of pathogenicity. Review status: criteria provided, conflicting classifications (1 of 4 stars). 6 submissions from 6 submitters: Likely pathogenic (1); Uncertain significance (3); Likely benign (2). Last evaluated 2025-07-02.

Conditions:
Cardiac arrhythmia. Also called: Cardiac rhythm disease; Arrhythmia. Identifiers: MedGen C0003811, MONDO:0007263, HP:0011675.
Short QT syndrome type 1. Identifiers: Orphanet 51083, MedGen C1865020, MONDO:0012312, OMIM 609620.
Long QT syndrome 2 (LQT2). Identifiers: Orphanet 101016, Orphanet 768, MedGen C3150943, MONDO:0013367, OMIM 613688.
Long QT syndrome (LQTS). Identifiers: MedGen C0023976, MeSH D008133, MONDO:0002442. Disease mechanism: loss of function. Inheritance: Various modes of inheritance.
Cardiovascular phenotype. Identifiers: MedGen CN230736.

Allele frequency attached by ClinVar (database versions not stated): gnomAD 0.00001 and 0.00002; TOPMed 0.00002; gnomAD exomes 0.00003 and 0.00005.

Submissions (6):

Ambry Genetics
Classification: Uncertain significance for Cardiovascular phenotype. Last evaluated: 2025-07-02. Review status: criteria provided, single submitter. Criteria: Ambry Variant Classification Scheme 2023. Collection method: clinical testing. Allele origin: germline.
Comment: The c.1128+1810C>T intronic variant results from a C to T substitution 1810 nucleotides after coding exon 5 in the KCNH2 gene. This alteration has been reported (as NM_172057.2 c.23C>T p.A8V) in an individual with borderline prolonged QTc who suffered excercise-associated sudden cardiac arrest (Sale H et al. Circ. Res., 2008 Sep;103:e81-95). Functional studies suggested that this alteration may impact protein function of an alternate isoform; however, the clinical relevance of that isoform has not been clearly established (Sale H et al. Circ. Res., 2008 Sep;103:e81-95). This nucleotide position is not well conserved in available vertebrate species. In silico splice site analysis predicts that this alteration will not have any significant effect on splicing. Since supporting evidence is limited at this time, the clinical significance of this alteration remains unclear.

Blueprint Genetics
Classification: Uncertain significance. Last evaluated: 2023-05-25. Review status: criteria provided, single submitter. Criteria: ACMG Guidelines, 2015. Collection method: clinical testing. Allele origin: germline.

Labcorp Genetics (formerly Invitae), Labcorp
Classification: Likely benign for Long QT syndrome. Last evaluated: 2022-08-23. Review status: criteria provided, single submitter. Criteria: Invitae Variant Classification Sherloc (09022015). Collection method: clinical testing. Allele origin: germline.

GeneDx
Classification: Uncertain significance. Last evaluated: 2020-05-27. Review status: criteria provided, single submitter. Criteria: GeneDx Variant Classification Process June 2021. Collection method: clinical testing. Allele origin: germline. Affected: yes.
Comment: Located in an alternate transcript of the KCNH2 gene which encodes the hERG-1b isoform; Reported in ClinVar but additional evidence is not available (ClinVar Variant ID# 379235; Landrum et al., 2016); In silico analysis supports that this variant does not alter protein structure/function; In silico analysis, which includes splice predictors and evolutionary conservation, suggests this variant may impact gene splicing. In the absence of RNA/functional studies, the actual effect of this sequence change is unknown.; Published functional studies suggest this variant may affect protein expression of the hERG-1b isoform (Sale et al., 2008), although additional studies are required to further explore its impact on channel function; This variant is associated with the following publications: (PMID: 18776039, 20224422, 32231684)

Color Diagnostics, LLC DBA Color Health
Classification: Likely benign for Arrhythmia. Last evaluated: 2019-09-09. Review status: criteria provided, single submitter. Criteria: ACMG Guidelines, 2015. Collection method: clinical testing. Allele origin: germline.

Fulgent Genetics
Classification: Likely pathogenic for Short QT syndrome type 1; Long QT syndrome 2. Last evaluated: 2018-10-31. Review status: criteria provided, single submitter. Criteria: ACMG Guidelines, 2015. Collection method: clinical testing. Allele origin: unknown.

Literature cited by the submitters: PubMed 18776039 (cited by Ambry Genetics).

NM_000238.4(KCNH2):c.1128+1810C>T

Gene: KCNH2 (potassium voltage-gated channel subfamily H member 2; minus strand). Cytogenetic location: 7q36.1.
Variant type: single nucleotide variant.
Coding change: c.1128+1810C>T on transcript NM_000238.4 (MANE Select); 1810 bases into the intron after coding-DNA position 1128, C replaced by T.
Molecular consequence: intron variant. On other transcripts: missense variant (2), non-coding transcript variant (1).
Genome position (GRCh38, 1-based): chr7:150,955,481, G>A on the plus strand (C>T on the coding strand, the complement: KCNH2 is on the minus strand). VCF-style: chr7-150955481-G-A. GRCh37 (hg19) VCF-style: chr7-150652569-G-A.
Other names: c.23C>T, p.Ala8Val (NM_001204798.2, NM_172057.3); c.840+1810C>T (NM_001406753.1, NM_001406756.1); c.1128+1810C>T (NM_172056.3); c.951+1810C>T (NM_001406755.1); c.828+1810C>T (NM_001406757.1); short protein forms A8V.
Identifiers: ClinVar variation 379235 (VCV000379235.19), dbSNP rs972201049, ClinGen allele CA16605278.